The following is an entry in ClinVar:

NM_001378964.1(CDON):c.3238A>G (p.Thr1080Ala)

Gene: CDON (cell adhesion associated, oncogene regulated; minus strand). Cytogenetic location: 11q24.2.
Variant type: single nucleotide variant.
Coding change: c.3238A>G on transcript NM_001378964.1 (MANE Select); coding-DNA position 3238, A replaced by G.
Protein change: p.Thr1080Ala; replaces threonine 1080 with alanine.
Molecular consequence: missense variant.
Genome position (GRCh38, 1-based): chr11:125,981,087, T>C on the plus strand (A>G on the coding strand, the complement: CDON is on the minus strand). VCF-style: chr11-125981087-T-C. GRCh37 (hg19) VCF-style: chr11-125850982-T-C.
Other names: c.3238A>G, p.Thr1080Ala (NM_001243597.3, NM_016952.6); short protein forms T1080A.
Identifiers: ClinVar variation 3831007 (VCV003831007.2).
Genomic context (GRCh38, chr11:125,981,087, plus strand): 5'-TATTTATAGTTAGGTCTCTTACATTCACTAGATGATGAGGATGTTCAAAATCCACGTGTG[T>C]CCTGGTTAGAGAGTTGCTGTGCCCGGAGTAAAGCCCTCCATTTAGGCTCCCATTCACAAT-3'
Protein context (NP_001365893.1, residues 1070-1090): YSGHSNSLTR[Thr1080Ala]HVDFEHPHHL

ClinVar aggregate classification (germline): Uncertain significance. Review status: criteria provided, multiple submitters, no conflicts (2 of 4 stars). 2 submissions from 2 submitters: Uncertain significance (2). Last evaluated 2025-11-29.

Conditions:
Inborn genetic diseases. Identifiers: MedGen C0950123, MeSH D030342.
Holoprosencephaly 11 (HPE11). Identifiers: Orphanet 2162, MedGen C3280215, MONDO:0013642, OMIM 614226.

gnomAD v4.1: 16 of 1,614,056 alleles (0.00099%); highest among the groups gnomAD compares: South Asian, 0.0033%; no homozygotes.

Submissions (2):

Labcorp Genetics (formerly Invitae), Labcorp
Classification: Uncertain significance for Holoprosencephaly 11. Last evaluated: 2025-11-29. Review status: criteria provided, single submitter. Criteria: Invitae Variant Classification Sherloc (09022015). Collection method: clinical testing. Allele origin: germline.
Comment: This sequence change replaces threonine, which is neutral and polar, with alanine, which is neutral and non-polar, at codon 1080 of the CDON protein (p.Thr1080Ala). This variant is present in population databases (rs758239580, gnomAD 0.006%). This variant has not been reported in the literature in individuals affected with CDON-related conditions. ClinVar contains an entry for this variant (Variation ID: 3831007). Invitae Evidence Modeling of protein sequence and biophysical properties (such as structural, functional, and spatial information, amino acid conservation, physicochemical variation, residue mobility, and thermodynamic stability) indicates that this missense variant is not expected to disrupt CDON protein function with a negative predictive value of 80%. In summary, the available evidence is currently insufficient to determine the role of this variant in disease. Therefore, it has been classified as a Variant of Uncertain Significance.

Ambry Genetics
Classification: Uncertain significance for Inborn genetic diseases. Last evaluated: 2025-01-18. Review status: criteria provided, single submitter. Criteria: Ambry Variant Classification Scheme 2023. Collection method: clinical testing. Allele origin: germline.